The following is an entry in ClinVar:

ClinVar aggregate classification (germline): Uncertain significance (1 of 4 stars; one submission).

Submission:

Labcorp Genetics (formerly Invitae), Labcorp
Classification: Uncertain significance. Last evaluated: 2023-10-29. Review status: criteria provided, single submitter. Criteria: Invitae Variant Classification Sherloc (09022015). Collection method: clinical testing. Allele origin: germline.
Comment: This sequence change replaces glycine, which is neutral and non-polar, with arginine, which is basic and polar, at codon 319 of the ARHGEF1 protein (p.Gly319Arg). This variant is not present in population databases (gnomAD no frequency). This variant has not been reported in the literature in individuals affected with ARHGEF1-related conditions. An algorithm developed to predict the effect of missense changes on protein structure and function (PolyPhen-2) suggests that this variant is likely to be disruptive. In summary, the available evidence is currently insufficient to determine the role of this variant in disease. Therefore, it has been classified as a Variant of Uncertain Significance.

NM_004706.4(ARHGEF1):c.910G>C (p.Gly304Arg)

Gene: ARHGEF1 (Rho guanine nucleotide exchange factor 1; plus strand). Cytogenetic location: 19q13.2.
Variant type: single nucleotide variant.
Coding change: c.910G>C on transcript NM_004706.4 (MANE Select); coding-DNA position 910, G replaced by C.
Protein change: p.Gly304Arg; replaces glycine 304 with arginine.
Molecular consequence: missense variant. On other transcripts: non-coding transcript variant (2).
Genome position (GRCh38, 1-based): chr19:41,895,381, G>C. VCF-style: chr19-41895381-G-C. GRCh37 (hg19) VCF-style: chr19-42399454-G-C.
Other names: c.910G>C, p.Gly304Arg (NM_001396000.1, NM_001396003.1, NM_001396006.1); c.811G>C, p.Gly271Arg (NM_001396002.1, NM_001396004.1, NM_198977.2); c.955G>C, p.Gly319Arg (NM_199002.2); short protein forms G271R, G319R, G304R.
Identifiers: ClinVar variation 2772788 (VCV002772788.3), dbSNP rs1555847340, ClinGen allele CA406054388.